The following is an entry in ClinVar:

NM_016188.5(ACTL6B):c.1121G>A (p.Arg374Gln)

Gene: ACTL6B (actin like 6B; minus strand). Cytogenetic location: 7q22.1.
Variant type: single nucleotide variant.
Coding change: c.1121G>A on transcript NM_016188.5 (MANE Select); coding-DNA position 1121, G replaced by A.
Protein change: p.Arg374Gln; replaces arginine 374 with glutamine.
Molecular consequence: missense variant. On other transcripts: non-coding transcript variant (1).
Genome position (GRCh38, 1-based): chr7:100,646,328, C>T on the plus strand (G>A on the coding strand, the complement: ACTL6B is on the minus strand). VCF-style: chr7-100646328-C-T. GRCh37 (hg19) VCF-style: chr7-100243951-C-T.
Other names: short protein forms R374Q.
Identifiers: ClinVar variation 1695200 (VCV001695200.31), dbSNP rs2131333059, ClinGen allele CA368541984.

ClinVar aggregate classification (germline): Likely pathogenic (1 of 4 stars; one submission).

Submission:

CeGaT Center for Human Genetics Tuebingen
Classification: Likely pathogenic. Last evaluated: 2022-10-01. Review status: criteria provided, single submitter. Criteria: CeGaT Center For Human Genetics Tuebingen Variant Classification Criteria Version 2. Collection method: clinical testing. Allele origin: germline. Affected: yes. Observed: 1 variant allele.
Comment: ACTL6B: PM2, PM6, PP2, PP3